The following is an entry in ClinVar:

NM_015166.3(MLC1):c.-414G>A

Gene: MLC1 (modulator of VRAC current 1; minus strand). Cytogenetic location: 22q13.33.
Variant type: single nucleotide variant.
Coding change: c.-414G>A on transcript NM_015166.3; 414 bases upstream of the start codon, G replaced by A.
Molecular consequence: 5 prime UTR variant (on NM_001376473.1). On other transcripts: intron variant (2).
Genome position (GRCh38, 1-based): chr22:50,085,709, C>T on the plus strand (G>A on the coding strand, the complement: MLC1 is on the minus strand). VCF-style: chr22-50085709-C-T. GRCh37 (hg19) VCF-style: chr22-50524138-C-T.
Other names: c.-226G>A (NM_001376473.1); c.-68G>A (NM_001376476.1); c.-60+96G>A (NM_001376474.1); c.-218+96G>A (NM_001376475.1).
Identifiers: ClinVar variation 342116 (VCV000342116.7), dbSNP rs543054100, ClinGen allele CA10654204.

ClinVar aggregate classification (germline): Likely benign (1 of 4 stars; one submission).

Conditions:
Megalencephalic leukoencephalopathy with subcortical cysts 1 (MLC1). Also called: LEUKOENCEPHALOPATHY WITH SWELLING AND CYSTS; VACUOLATING MEGALENCEPHALIC LEUKOENCEPHALOPATHY WITH SUBCORTICAL CYSTS. Identifiers: Orphanet 2478, MedGen C5779875, MONDO:0024555, OMIM 604004.

Allele frequency attached by ClinVar (database versions not stated): 1000 Genomes Project 0.00319; TOPMed 0.00007; gnomAD 0.00050 and 0.00002; 1000 Genomes Project 30x 0.00297.

Submission:

Illumina Laboratory Services, Illumina
Classification: Likely benign for Megalencephalic leukoencephalopathy with subcortical cysts 1. Last evaluated: 2018-01-12. Review status: criteria provided, single submitter. Criteria: ICSL Variant Classification Criteria 13 December 2019. Collection method: clinical testing. Allele origin: germline.
Comment: This variant was observed in the ICSL laboratory as part of a predisposition screen in an ostensibly healthy population. It had not been previously curated by ICSL or reported in the Human Gene Mutation Database (HGMD: prior to June 1st, 2018), and was therefore a candidate for classification through an automated scoring system. Utilizing variant allele frequency, disease prevalence and penetrance estimates, and inheritance mode, an automated score was calculated to assess if this variant is too frequent to cause the disease. Based on the score and internal cut-off values, a variant classified as likely benign is not then subjected to further curation. The score for this variant resulted in a classification of likely benign for this disease.